The following is an entry in ClinVar:

NM_019601.4(SUSD2):c.1128G>A (p.Leu376=)

Gene: SUSD2 (sushi domain containing 2; plus strand). Cytogenetic location: 22q11.23.
Variant type: single nucleotide variant.
Coding change: c.1128G>A on transcript NM_019601.4 (MANE Select); coding-DNA position 1128, G replaced by A.
Protein change: p.Leu376=; no amino-acid change (leucine 376 retained).
Molecular consequence: synonymous variant.
Genome position (GRCh38, 1-based): chr22:24,185,718, G>A. VCF-style: chr22-24185718-G-A. GRCh37 (hg19) VCF-style: chr22-24581686-G-A.
Identifiers: ClinVar variation 2652986 (VCV002652986.24), dbSNP rs41304431, ClinGen allele CA10150590.

ClinVar aggregate classification (germline): Likely benign (1 of 4 stars; one submission).

Allele frequency attached by ClinVar (database versions not stated): ESP Exome Variant Server 0.00077; 1000 Genomes Project 30x 0.00078; 1000 Genomes Project 0.00080; gnomAD 0.00115; ExAC 0.00125; TOPMed 0.00125; gnomAD exomes 0.00138.
gnomAD v4.1: 2,211 of 1,610,992 alleles (0.14%); highest among the groups gnomAD compares: Admixed American, 0.16%; 3 homozygotes.

Submission:

CeGaT Center for Human Genetics Tuebingen
Classification: Likely benign. Last evaluated: 2023-02-01. Review status: criteria provided, single submitter. Criteria: CeGaT Center For Human Genetics Tuebingen Variant Classification Criteria Version 2. Collection method: clinical testing. Allele origin: germline. Affected: yes. Observed: 1 variant allele.
Comment: SUSD2: BP4, BP7